The following is an entry in ClinVar:

ClinVar aggregate classification (germline): Likely benign. Review status: criteria provided, multiple submitters, no conflicts (2 of 4 stars). 4 submissions from 4 submitters: Likely benign (3). 1 of the submissions does not count toward it. Last evaluated 2025-11-02.

Conditions:
Hereditary cancer-predisposing syndrome. Also called: Hereditary neoplastic syndrome; Neoplastic Syndromes, Hereditary; Tumor predisposition; Hereditary Cancer Syndrome. Identifiers: Orphanet 140162, MedGen C0027672, MeSH D009386, MONDO:0015356.
Multiple endocrine neoplasia, type 2 (MEN2). Identifiers: Orphanet 653, MedGen C4048306, MONDO:0019003. Disease mechanism: gain of function.
RET-related disorder. Also called: RET-related condition; RET-related disease; RET-related disorders.

Allele frequency attached by ClinVar (database versions not stated): ExAC 0.00001; gnomAD 0.00001 and 0.00002; gnomAD exomes 0.00001 and 0.00002; TOPMed 0.00001.
gnomAD v4.1: 18 of 1,614,024 alleles (0.0011%); highest among the groups gnomAD compares: Admixed American, 0.0067%; no homozygotes.

Submissions (4):

Labcorp Genetics (formerly Invitae), Labcorp
Classification: Likely benign for Multiple endocrine neoplasia, type 2. Last evaluated: 2025-11-02. Review status: criteria provided, single submitter. Criteria: Invitae Variant Classification Sherloc (09022015). Collection method: clinical testing. Allele origin: germline.

Color Diagnostics, LLC DBA Color Health
Classification: Likely benign for Multiple endocrine neoplasia, type 2. Last evaluated: 2022-11-06. Review status: criteria provided, single submitter. Criteria: ACMG Guidelines, 2015. Collection method: clinical testing. Allele origin: germline.

Ambry Genetics
Classification: Likely benign for Hereditary cancer-predisposing syndrome. Last evaluated: 2019-10-30. Review status: criteria provided, single submitter. Criteria: Ambry Variant Classification Scheme 2023. Collection method: clinical testing. Allele origin: germline.

PreventionGenetics, part of Exact Sciences
Classification: Likely benign for RET-related condition. Last evaluated: 2019-05-13. Review status: no assertion criteria provided. Collection method: clinical testing. Allele origin: germline. Not counted in ClinVar's aggregate classification.
Comment: This variant is classified as likely benign based on ACMG/AMP sequence variant interpretation guidelines (Richards et al. 2015 PMID: 25741868, with internal and published modifications).

NM_020975.6(RET):c.1695C>T (p.Cys565=)

Gene: RET (ret proto-oncogene; plus strand). Cytogenetic location: 10q11.21.
Variant type: single nucleotide variant.
Coding change: c.1695C>T on transcript NM_020975.6 (MANE Select); coding-DNA position 1695, C replaced by T.
Protein change: p.Cys565=; no amino-acid change (cysteine 565 retained).
Molecular consequence: synonymous variant.
Genome position (GRCh38, 1-based): chr10:43,112,899, C>T. VCF-style: chr10-43112899-C-T. GRCh37 (hg19) VCF-style: chr10-43608347-C-T.
Other names: c.1695C>T, p.Cys565= (NM_000323.2, NM_001406743.1, NM_001406744.1 and 6 more transcripts); c.933C>T, p.Cys311= (NM_001355216.2); c.1566C>T, p.Cys522= (NM_001406761.1, NM_001406762.1, NM_001406764.1 and 1 more transcripts); c.1407C>T, p.Cys469= (NM_001406766.1, NM_001406767.1, NM_001406770.1); c.1299C>T, p.Cys433= (NM_001406769.1, NM_001406772.1); c.1257C>T, p.Cys419= (NM_001406771.1, NM_001406773.1); c.1170C>T, p.Cys390= (NM_001406774.1); c.969C>T, p.Cys323= (NM_001406775.1, NM_001406776.1, NM_001406777.1 and 1 more transcripts); and 5 more.
Identifiers: ClinVar variation 215907 (VCV000215907.19), dbSNP rs775079681, ClinGen allele CA035087.